The following is an entry in ClinVar:

NM_004370.6(COL12A1):c.5119A>T (p.Asn1707Tyr)

Gene: COL12A1 (collagen type XII alpha 1 chain; minus strand). Cytogenetic location: 6q13.
Variant type: single nucleotide variant.
Coding change: c.5119A>T on transcript NM_004370.6 (MANE Select); coding-DNA position 5119, A replaced by T.
Protein change: p.Asn1707Tyr; replaces asparagine 1707 with tyrosine.
Molecular consequence: missense variant.
Genome position (GRCh38, 1-based): chr6:75,138,559, T>A on the plus strand (A>T on the coding strand, the complement: COL12A1 is on the minus strand). VCF-style: chr6-75138559-T-A. GRCh37 (hg19) VCF-style: chr6-75848275-T-A.
Other names: c.5119A>T, p.Asn1707Tyr (NM_001424113.1, NM_001424114.1); c.4846A>T, p.Asn1616Tyr (NM_001424115.1); c.1627A>T, p.Asn543Tyr (NM_001424116.1, NM_080645.3); short protein forms N1616Y, N1707Y, N543Y.
Identifiers: ClinVar variation 3751459 (VCV003751459.2).

ClinVar aggregate classification (germline): Uncertain significance (1 of 4 stars; one submission).

Conditions:
Ullrich congenital muscular dystrophy 2 (UCMD2). Identifiers: Orphanet 75840, MedGen C4225314, MONDO:0014654, OMIM 616470.
Bethlem myopathy 2 (BTHLM2). Identifiers: Orphanet 536516, Orphanet 610, MedGen C4225313, MONDO:0034022, OMIM 616471.

gnomAD v4.1: 2 of 1,613,764 alleles (0.00012%); no homozygotes.

Submission:

Labcorp Genetics (formerly Invitae), Labcorp
Classification: Uncertain significance for Bethlem myopathy 2; Ullrich congenital muscular dystrophy 2. Last evaluated: 2024-06-04. Review status: criteria provided, single submitter. Criteria: Invitae Variant Classification Sherloc (09022015). Collection method: clinical testing. Allele origin: germline.
Comment: This sequence change replaces asparagine, which is neutral and polar, with tyrosine, which is neutral and polar, at codon 1707 of the COL12A1 protein (p.Asn1707Tyr). This variant is present in population databases (rs747433927, gnomAD no frequency). This variant has not been reported in the literature in individuals affected with COL12A1-related conditions. Advanced modeling of protein sequence and biophysical properties (such as structural, functional, and spatial information, amino acid conservation, physicochemical variation, residue mobility, and thermodynamic stability) performed at Invitae indicates that this missense variant is not expected to disrupt COL12A1 protein function with a negative predictive value of 80%. In summary, the available evidence is currently insufficient to determine the role of this variant in disease. Therefore, it has been classified as a Variant of Uncertain Significance.